The following is an entry in ClinVar:

NM_015311.3(OBSL1):c.3323C>G (p.Ala1108Gly)

Gene: OBSL1 (obscurin like cytoskeletal adaptor 1; minus strand). Cytogenetic location: 2q35.
Variant type: single nucleotide variant.
Coding change: c.3323C>G on transcript NM_015311.3 (MANE Select); coding-DNA position 3323, C replaced by G.
Protein change: p.Ala1108Gly; replaces alanine 1108 with glycine.
Molecular consequence: missense variant.
Genome position (GRCh38, 1-based): chr2:219,558,363, G>C on the plus strand (C>G on the coding strand, the complement: OBSL1 is on the minus strand). VCF-style: chr2-219558363-G-C. GRCh37 (hg19) VCF-style: chr2-220423085-G-C.
Other names: c.3323C>G, p.Ala1108Gly (NM_001173431.2); short protein forms A1108G.
Identifiers: ClinVar variation 744807 (VCV000744807.14), dbSNP rs143493175, ClinGen allele CA2130897.

ClinVar aggregate classification (germline): Conflicting classifications of pathogenicity. Review status: criteria provided, conflicting classifications (1 of 4 stars). 4 submissions from 4 submitters: Uncertain significance (1); Likely benign (2). 1 of the submissions does not count toward it. Last evaluated 2026-01-06.

Conditions:
OBSL1-related disorder. Also called: OBSL1-related condition.

Allele frequency attached by ClinVar (database versions not stated): ExAC 0.00022; gnomAD exomes 0.00023; ESP Exome Variant Server 0.00056; 1000 Genomes Project 30x 0.00078; gnomAD 0.00096 and 0.00106; 1000 Genomes Project 0.00100; TOPMed 0.00119.
gnomAD v4.1: 309 of 1,611,882 alleles (0.019%); highest among the groups gnomAD compares: African/African-American, 0.38%; no homozygotes.

Submissions (4):

Labcorp Genetics (formerly Invitae), Labcorp
Classification: Likely benign. Last evaluated: 2026-01-06. Review status: criteria provided, single submitter. Criteria: Invitae Variant Classification Sherloc (09022015). Collection method: clinical testing. Allele origin: germline.

Women's Health and Genetics/Laboratory Corporation of America, LabCorp
Classification: Likely benign. Last evaluated: 2025-07-23. Review status: criteria provided, single submitter. Criteria: LabCorp Variant Classification Summary - May 2015. Collection method: clinical testing. Allele origin: germline.
Comment: Variant summary: OBSL1 c.3323C>G (p.Ala1108Gly) results in a non-conservative amino acid change in the encoded protein sequence. Algorithms developed to predict the effect of missense changes on protein structure and function are either unavailable or do not agree on the potential impact of this missense change. The variant allele was found at a frequency of 0.00023 in 243798 control chromosomes, predominantly at a frequency of 0.0035 within the African or African-American subpopulation in the gnomAD database. The observed variant frequency within African or African-American control individuals in the gnomAD database is approximately 3.13 fold of the estimated maximal expected allele frequency for a pathogenic variant in OBSL1 causing Three M Syndrome 2 phenotype (0.0011). To our knowledge, no occurrence of c.3323C>G in individuals affected with Three M Syndrome 2 and no experimental evidence demonstrating its impact on protein function have been reported. ClinVar contains an entry for this variant (Variation ID: 744807). Based on the evidence outlined above, the variant was classified as likely benign.

GeneDx
Classification: Uncertain significance. Last evaluated: 2025-04-18. Review status: criteria provided, single submitter. Criteria: GeneDx Variant Classification Process June 2021. Collection method: clinical testing. Allele origin: germline. Affected: yes.
Comment: In silico analysis supports that this missense variant has a deleterious effect on protein structure/function; Has not been previously published as pathogenic or benign to our knowledge

PreventionGenetics, part of Exact Sciences
Classification: Likely benign for OBSL1-related condition. Last evaluated: 2023-06-06. Review status: no assertion criteria provided. Collection method: clinical testing. Allele origin: germline. Not counted in ClinVar's aggregate classification.
Comment: This variant is classified as likely benign based on ACMG/AMP sequence variant interpretation guidelines (Richards et al. 2015 PMID: 25741868, with internal and published modifications).